The following is an entry in ClinVar:

NM_000393.5(COL5A2):c.1311= (p.Pro437=)

Gene: COL5A2 (collagen type V alpha 2 chain; minus strand). Cytogenetic location: 2q32.2.
Variant type: single nucleotide variant.
Coding change: c.1311= on transcript NM_000393.5 (MANE Select); coding-DNA position 1311, no change from the reference sequence.
Protein change: p.Pro437=; no amino-acid change (proline 437 retained).
Molecular consequence: no sequence alteration.
Genome position: GRCh38 VCF-style: chr2-189068105-T-T. GRCh37 (hg19) VCF-style: chr2-189932831-T-T.
Other names: p.P437P:CCG>CCA.
Identifiers: ClinVar variation 136938 (VCV000136938.16), dbSNP rs2229495.
Genomic context (GRCh38, chr2:189,068,105, plus strand): 5'-GCTACCCTGAGGTCCTGGAGATCCAGGAGGCCCTGCTGAGCCAGGAGGACCAGAGGTACC[T=]GGAGAGCCCTATTAAACAGCAAGAGTGATGTGGTAAGTAGAGACACAGGTAGCAGTCTGG-3'
Protein context (NP_000384.2, residues 427-447): TPGAKGPTGS[Pro437=]GTSGPPGSAG

ClinVar aggregate classification (germline): Benign. Review status: criteria provided, multiple submitters, no conflicts (2 of 4 stars). 2 submissions from 2 submitters: Benign (2). Last evaluated 2026-02-04.

Conditions:
Ehlers-Danlos syndrome, classic type, 1 (EDSCL1). Also called: Ehlers-Danlos syndrome, type 1; Ehlers-Danlos Syndrome, Classic Type, COL5A1-Related; EDS I; EHLERS-DANLOS SYNDROME, GRAVIS TYPE; EHLERS-DANLOS SYNDROME, SEVERE CLASSIC TYPE. Identifiers: MedGen C0268335, MONDO:0019567, OMIM 130000.

Allele frequency attached by ClinVar (database versions not stated): 1000 Genomes Project 0.05711; ExAC 0.04091; gnomAD 0.04193 and 0.04238; gnomAD exomes 0.04338; 1000 Genomes Project 30x 0.06074; ESP Exome Variant Server 0.03737; TOPMed 0.05265.

Submissions (2):

Labcorp Genetics (formerly Invitae), Labcorp
Classification: Benign for Ehlers-Danlos syndrome, classic type, 1. Last evaluated: 2026-02-04. Review status: criteria provided, single submitter. Criteria: Invitae Variant Classification Sherloc (09022015). Collection method: clinical testing. Allele origin: germline.

GeneDx
Classification: Benign. Last evaluated: 2012-11-29. Review status: criteria provided, single submitter. Criteria: GeneDx Variant Classification (06012015). Collection method: clinical testing. Allele origin: germline. Affected: yes.
Comment: This variant is considered likely benign or benign based on one or more of the following criteria: it is a conservative change, it occurs at a poorly conserved position in the protein, it is predicted to be benign by multiple in silico algorithms, and/or has population frequency not consistent with disease.